The following is an entry in ClinVar:

NM_001386393.1(PANK2):c.240C>G (p.Tyr80Ter)

Genes: PANK2 (pantothenate kinase 2; plus strand), LOC130065345 (ATAC-STARR-seq lymphoblastoid silent region 12635; plus strand). Cytogenetic location: 20p13.
Variant type: single nucleotide variant.
Coding change: c.240C>G on transcript NM_001386393.1 (MANE Select); coding-DNA position 240, C replaced by G.
Protein change: p.Tyr80Ter; replaces tyrosine 80 with a stop codon.
Molecular consequence: nonsense. On other transcripts: 5 prime UTR variant (1), non-coding transcript variant (1), intron variant (1).
Genome position (GRCh38, 1-based): chr20:3,889,670, C>G. VCF-style: chr20-3889670-C-G. GRCh37 (hg19) VCF-style: chr20-3870317-C-G.
Other names: Y80*; p.Try190Ter; c.-472C>G (NM_001324191.2); c.570C>G, p.Tyr190Ter (NM_001324192.1, NM_153638.4); c.-246+766C>G (NM_024960.6); short protein forms Y190*.
Identifiers: ClinVar variation 4549 (VCV000004549.12), dbSNP rs137852960, ClinGen allele CA253209.

ClinVar aggregate classification (germline): Pathogenic. Review status: criteria provided, multiple submitters, no conflicts (2 of 4 stars). 5 submissions from 5 submitters: Pathogenic (4). 1 of the submissions does not count toward it. Last evaluated 2023-09-06.

Conditions:
Pigmentary pallidal degeneration (NBIA1). Also called: HARP SYNDROME; Pantothenate Kinase-Associated Neurodegeneration; Neurodegeneration with brain iron accumulation 1; PKAN NEUROAXONAL DYSTROPHY, JUVENILE-ONSET; Neuroaxonal dystrophy, late infantile; Hallervorden-Spatz disease. Identifiers: Orphanet 157850, MedGen C0018523, MONDO:0009319, OMIM 234200.

gnomAD v4.1: 2 of 1,590,800 alleles (0.00013%); no homozygotes.

Submissions (5):

Labcorp Genetics (formerly Invitae), Labcorp
Classification: Pathogenic for Pigmentary pallidal degeneration. Last evaluated: 2023-09-06. Review status: criteria provided, single submitter. Criteria: Invitae Variant Classification Sherloc (09022015). Collection method: clinical testing. Allele origin: germline.
Comment: This variant is also known as Y80X. ClinVar contains an entry for this variant (Variation ID: 4549). This premature translational stop signal has been observed in individual(s) with neurodegeneration with brain iron accumulation (PMID: 11479594, 34272103). This sequence change creates a premature translational stop signal (p.Tyr190*) in the PANK2 gene. It is expected to result in an absent or disrupted protein product. Loss-of-function variants in PANK2 are known to be pathogenic (PMID: 11479594, 12510040). This variant is not present in population databases (gnomAD no frequency). For these reasons, this variant has been classified as Pathogenic.

Women's Health and Genetics/Laboratory Corporation of America, LabCorp
Classification: Pathogenic for Pigmentary pallidal degeneration. Last evaluated: 2022-09-19. Review status: criteria provided, single submitter. Criteria: LabCorp Variant Classification Summary - May 2015. Collection method: clinical testing. Allele origin: germline.
Comment: Variant summary: PANK2 c.570C>G (p.Tyr190X) results in a premature termination codon, predicted to cause a truncation of the encoded protein or absence of the protein due to nonsense mediated decay, which are commonly known mechanisms for disease. Truncations downstream of this position have been classified as pathogenic by our laboratory. The variant was absent in 210314 control chromosomes. c.570C>G has been reported in the literature in individuals affected with Pantothenate Kinase-Associated Neurodegeneration (Bhardwaj_2021, Zhou_2001). To our knowledge, no experimental evidence demonstrating an impact on protein function has been reported. Two clinical diagnostic laboratories have submitted clinical-significance assessments for this variant to ClinVar after 2014 without evidence for independent evaluation, with both classifying the variant as pathogenic. Based on the evidence outlined above, the variant was classified as pathogenic.

Foundation for Research in Genetics and Endocrinology, FRIGE's Institute of Human Genetics
Classification: Pathogenic for Pigmentary pallidal degeneration. Last evaluated: 2022-04-09. Review status: criteria provided, single submitter. Criteria: ACMG Guidelines, 2015. Collection method: clinical testing. Allele origin: germline. Inheritance: Autosomal recessive inheritance. Affected: yes. Observed: 1 heterozygote.
Comment: Heterozygous nonsense variation in exon1 of PANK2gene that result in a stop codon and premature truncation of protein at codon 190 was detected. This variant has not been reported in the 1000 genomes and gnomAD database. The in silico prediction of the variant is benign by PolyPhen-2 (HumDiv), SIFT, LRT and MutationTaster2. The reference codon is conserved across species. In summary, the variant meets our criteria to be classified as a variant of uncertain significance.

Equipe Genetique des Anomalies du Developpement, Université de Bourgogne
Classification: Pathogenic for Pigmentary pallidal degeneration. Last evaluated: 2018-10-16. Review status: criteria provided, single submitter. Criteria: ACMG Guidelines, 2015. Collection method: clinical testing. Allele origin: inherited. Affected: yes.
Comment: Observed as a homozygote.

OMIM
Classification: Pathogenic for NEURODEGENERATION WITH BRAIN IRON ACCUMULATION 1. Last evaluated: 2001-08-01. Review status: no assertion criteria provided. Collection method: literature only. Allele origin: germline. Not counted in ClinVar's aggregate classification.

Literature cited by the submitters: PubMed 11479594 (cited by 3 submitters); PubMed 34272103 (cited by Labcorp Genetics (formerly Invitae), Labcorp and Women's Health and Genetics/Laboratory Corporation of America, LabCorp); PubMed 12510040 (cited by Labcorp Genetics (formerly Invitae), Labcorp).